The following is an entry in ClinVar:

ClinVar aggregate classification (germline): Uncertain significance. Review status: criteria provided, multiple submitters, no conflicts (2 of 4 stars). 2 submissions from 2 submitters: Uncertain significance (2). Last evaluated 2025-03-17.

Allele frequency attached by ClinVar (database versions not stated): gnomAD exomes below 0.00001; gnomAD 0.00001; ExAC 0.00002.
gnomAD v4.1: 8 of 1,614,072 alleles (0.0005%); highest among the groups gnomAD compares: Non-Finnish European, 0.00059%; no homozygotes.

Submissions (2):

Labcorp Genetics (formerly Invitae), Labcorp
Classification: Uncertain significance. Last evaluated: 2025-03-17. Review status: criteria provided, single submitter. Criteria: Invitae Variant Classification Sherloc (09022015). Collection method: clinical testing. Allele origin: germline.
Comment: This sequence change replaces lysine, which is basic and polar, with glutamic acid, which is acidic and polar, at codon 5155 of the USH2A protein (p.Lys5155Glu). This variant is present in population databases (rs770601513, gnomAD 0.003%). This missense change has been observed in individual(s) with deafness (PMID: 37217689). ClinVar contains an entry for this variant (Variation ID: 2148576). Invitae Evidence Modeling of protein sequence and biophysical properties (such as structural, functional, and spatial information, amino acid conservation, physicochemical variation, residue mobility, and thermodynamic stability) indicates that this missense variant is not expected to disrupt USH2A protein function with a negative predictive value of 95%. In summary, the available evidence is currently insufficient to determine the role of this variant in disease. Therefore, it has been classified as a Variant of Uncertain Significance.

Blueprint Genetics
Classification: Uncertain significance. Last evaluated: 2024-06-14. Review status: criteria provided, single submitter. Criteria: ACMG Guidelines, 2015. Collection method: clinical testing. Allele origin: germline.

Literature cited by the submitters: PubMed 37217689 (cited by Labcorp Genetics (formerly Invitae), Labcorp).

NM_206933.4(USH2A):c.15463A>G (p.Lys5155Glu)

Gene: USH2A (usherin; minus strand). Cytogenetic location: 1q41.
Variant type: single nucleotide variant.
Coding change: c.15463A>G on transcript NM_206933.4 (MANE Select); coding-DNA position 15463, A replaced by G.
Protein change: p.Lys5155Glu; replaces lysine 5155 with glutamic acid.
Molecular consequence: missense variant.
Genome position (GRCh38, 1-based): chr1:215,628,870, T>C on the plus strand (A>G on the coding strand, the complement: USH2A is on the minus strand). VCF-style: chr1-215628870-T-C. GRCh37 (hg19) VCF-style: chr1-215802212-T-C.
Other names: short protein forms K5155E.
Identifiers: ClinVar variation 2148576 (VCV002148576.5), dbSNP rs770601513, ClinGen allele CA1392674.